The following is an entry in ClinVar:

NM_018129.4(PNPO):c.709C>T (p.Pro237Ser)

Gene: PNPO (pyridoxamine 5'-phosphate oxidase; plus strand). Cytogenetic location: 17q21.32.
Variant type: single nucleotide variant.
Coding change: c.709C>T on transcript NM_018129.4 (MANE Select); coding-DNA position 709, C replaced by T.
Protein change: p.Pro237Ser; replaces proline 237 with serine.
Molecular consequence: missense variant.
Genome position (GRCh38, 1-based): chr17:47,946,705, C>T. VCF-style: chr17-47946705-C-T. GRCh37 (hg19) VCF-style: chr17-46024071-C-T.
Other names: c.580C>T, p.Pro194Ser (NM_001436305.1); short protein forms P194S, P237S.
Identifiers: ClinVar variation 5040306 (VCV005040306.1).

ClinVar aggregate classification (germline): Likely benign (1 of 4 stars; one submission).

gnomAD v4.1: 11 of 1,614,154 alleles (0.00068%); highest among the groups gnomAD compares: Non-Finnish European, 0.00085%; no homozygotes.

Submission:

CeGaT Center for Human Genetics Tuebingen
Classification: Likely benign. Last evaluated: 2026-07-01. Review status: criteria provided, single submitter. Criteria: CeGaT Center For Human Genetics Tuebingen Variant Classification Criteria Version 2. Collection method: clinical testing. Allele origin: germline. Affected: yes. Observed: 1 variant allele.
Comment: PNPO: BP4